The following is an entry in ClinVar:

ClinVar aggregate classification (germline): Uncertain significance (1 of 4 stars; one submission).

Submission:

Labcorp Genetics (formerly Invitae), Labcorp
Classification: Uncertain significance. Last evaluated: 2025-11-27. Review status: criteria provided, single submitter. Criteria: Invitae Variant Classification Sherloc (09022015). Collection method: clinical testing. Allele origin: germline.
Comment: This sequence change replaces alanine, which is neutral and non-polar, with threonine, which is neutral and polar, at codon 1497 of the FOCAD protein (p.Ala1497Thr). This variant is not present in population databases (gnomAD no frequency). This variant has not been reported in the literature in individuals affected with FOCAD-related conditions. An algorithm developed to predict the effect of missense changes on protein structure and function outputs the following: PolyPhen-2: "Not Available". The threonine amino acid residue is found in multiple mammalian species, which suggests that this missense change does not adversely affect protein function. In summary, the available evidence is currently insufficient to determine the role of this variant in disease. Therefore, it has been classified as a Variant of Uncertain Significance.

NM_001375567.1(FOCAD):c.4489G>A (p.Ala1497Thr)

Gene: FOCAD (focadhesin; plus strand). Cytogenetic location: 9p21.3.
Variant type: single nucleotide variant.
Coding change: c.4489G>A on transcript NM_001375567.1 (MANE Select); coding-DNA position 4489, G replaced by A.
Protein change: p.Ala1497Thr; replaces alanine 1497 with threonine.
Molecular consequence: missense variant.
Genome position (GRCh38, 1-based): chr9:20,981,537, G>A. VCF-style: chr9-20981537-G-A. GRCh37 (hg19) VCF-style: chr9-20981536-G-A.
Other names: c.4384G>A, p.Ala1462Thr (NM_001375568.1, NM_001375570.1); c.4489G>A, p.Ala1497Thr (NM_017794.5); short protein forms A1497T, A1462T.
Identifiers: ClinVar variation 4731842 (VCV004731842.1).